The following is an entry in ClinVar:

ClinVar aggregate classification (germline): Uncertain significance (1 of 4 stars; one submission).

Conditions:
Familial hypocalciuric hypercalcemia (FHH). Also called: Familial benign hypercalcemia. Identifiers: Orphanet 405, MedGen C1809471, MONDO:0018458.
Autosomal dominant hypocalcemia 1 (HYPOC1). Also called: HYPOCALCEMIA, FAMILIAL. Identifiers: MedGen C3715128, MONDO:0011013, OMIM 601198.

gnomAD v4.1: 1 of 1,614,232 alleles (0.000062%); highest among the groups gnomAD compares: Non-Finnish European, 0.000085%; no homozygotes.

Submission:

Labcorp Genetics (formerly Invitae), Labcorp
Classification: Uncertain significance for Familial hypocalciuric hypercalcemia; Autosomal dominant hypocalcemia 1. Last evaluated: 2021-01-01. Review status: criteria provided, single submitter. Criteria: Invitae Variant Classification Sherloc (09022015). Collection method: clinical testing. Allele origin: germline.
Comment: In summary, the available evidence is currently insufficient to determine the role of this variant in disease. Therefore, it has been classified as a Variant of Uncertain Significance. This sequence change replaces serine with arginine at codon 403 of the CASR protein (p.Ser403Arg). The serine residue is highly conserved and there is a moderate physicochemical difference between serine and arginine. This variant is not present in population databases (ExAC no frequency). This variant has not been reported in the literature in individuals with CASR-related conditions. Algorithms developed to predict the effect of missense changes on protein structure and function (SIFT, PolyPhen-2, Align-GVGD) all suggest that this variant is likely to be disruptive, but these predictions have not been confirmed by published functional studies and their clinical significance is uncertain.

NM_000388.4(CASR):c.1207A>C (p.Ser403Arg)

Gene: CASR (calcium sensing receptor; plus strand). Cytogenetic location: 3q21.1.
Variant type: single nucleotide variant.
Coding change: c.1207A>C on transcript NM_000388.4 (MANE Select); coding-DNA position 1207, A replaced by C.
Protein change: p.Ser403Arg; replaces serine 403 with arginine.
Molecular consequence: missense variant.
Genome position (GRCh38, 1-based): chr3:122,262,242, A>C. VCF-style: chr3-122262242-A-C. GRCh37 (hg19) VCF-style: chr3-121981089-A-C.
Other names: c.1207A>C, p.Ser403Arg (NM_001178065.2); short protein forms S403R.
Identifiers: ClinVar variation 1401568 (VCV001401568.8), dbSNP rs779219555, ClinGen allele CA354152820.